The following is an entry in ClinVar:

ClinVar aggregate classification (germline): Uncertain significance. Review status: criteria provided, multiple submitters, no conflicts (2 of 4 stars). 2 submissions from 2 submitters: Uncertain significance (2). Last evaluated 2024-12-02.

Allele frequency attached by ClinVar (database versions not stated): gnomAD exomes 0.00001; gnomAD 0.00003; ExAC 0.00005; TOPMed 0.00005; ESP Exome Variant Server 0.00015.
gnomAD v4.1: 26 of 1,613,622 alleles (0.0016%); highest among the groups gnomAD compares: Middle Eastern, 0.016%; no homozygotes.

Submissions (2):

Labcorp Genetics (formerly Invitae), Labcorp
Classification: Uncertain significance. Last evaluated: 2024-12-02. Review status: criteria provided, single submitter. Criteria: Invitae Variant Classification Sherloc (09022015). Collection method: clinical testing. Allele origin: germline.
Comment: This sequence change replaces isoleucine, which is neutral and non-polar, with threonine, which is neutral and polar, at codon 866 of the FAM186B protein (p.Ile866Thr). This variant is present in population databases (rs372411373, gnomAD 0.008%). This variant has not been reported in the literature in individuals affected with FAM186B-related conditions. ClinVar contains an entry for this variant (Variation ID: 2456359). An algorithm developed to predict the effect of missense changes on protein structure and function (PolyPhen-2) suggests that this variant is likely to be disruptive. In summary, the available evidence is currently insufficient to determine the role of this variant in disease. Therefore, it has been classified as a Variant of Uncertain Significance.

Ambry Genetics
Classification: Uncertain significance. Last evaluated: 2023-01-09. Review status: criteria provided, single submitter. Criteria: Ambry Variant Classification Scheme 2023. Collection method: clinical testing. Allele origin: germline.

NM_032130.3(FAM186B):c.2597T>C (p.Ile866Thr)

Gene: FAM186B (family with sequence similarity 186 member B; minus strand). Cytogenetic location: 12q13.12.
Variant type: single nucleotide variant.
Coding change: c.2597T>C on transcript NM_032130.3 (MANE Select); coding-DNA position 2597, T replaced by C.
Protein change: p.Ile866Thr; replaces isoleucine 866 with threonine.
Molecular consequence: missense variant.
Genome position (GRCh38, 1-based): chr12:49,587,690, A>G on the plus strand (T>C on the coding strand, the complement: FAM186B is on the minus strand). VCF-style: chr12-49587690-A-G. GRCh37 (hg19) VCF-style: chr12-49981473-A-G.
Other names: short protein forms I866T.
Identifiers: ClinVar variation 2456359 (VCV002456359.5), dbSNP rs372411373, ClinGen allele CA6554378.